The following is an entry in ClinVar:

ClinVar aggregate classification (germline): Uncertain significance. Review status: criteria provided, multiple submitters, no conflicts (2 of 4 stars). 3 submissions from 3 submitters: Uncertain significance (3). Last evaluated 2024-07-22.

Conditions:
Focal segmental glomerulosclerosis 6 (FSGS6). Identifiers: Orphanet 656, MedGen C3279905, MONDO:0013589, OMIM 614131.
Inborn genetic diseases. Identifiers: MedGen C0950123, MeSH D030342.

Allele frequency attached by ClinVar (database versions not stated): gnomAD 0.00001; TOPMed 0.00001; ExAC 0.00004.
gnomAD v4.1: 20 of 1,614,018 alleles (0.0012%); highest among the groups gnomAD compares: South Asian, 0.013%; no homozygotes.

Submissions (3):

Ambry Genetics
Classification: Uncertain significance for Inborn genetic diseases. Last evaluated: 2024-07-22. Review status: criteria provided, single submitter. Criteria: Ambry Variant Classification Scheme 2023. Collection method: clinical testing. Allele origin: germline.

Fulgent Genetics
Classification: Uncertain significance for Focal segmental glomerulosclerosis 6. Last evaluated: 2024-01-14. Review status: criteria provided, single submitter. Criteria: ACMG Guidelines, 2015. Collection method: clinical testing. Allele origin: germline.

Labcorp Genetics (formerly Invitae), Labcorp
Classification: Uncertain significance. Last evaluated: 2021-12-31. Review status: criteria provided, single submitter. Criteria: Invitae Variant Classification Sherloc (09022015). Collection method: clinical testing. Allele origin: germline.
Comment: This variant has not been reported in the literature in individuals affected with MYO1E-related conditions. Algorithms developed to predict the effect of missense changes on protein structure and function are either unavailable or do not agree on the potential impact of this missense change (SIFT: "Tolerated"; PolyPhen-2: "Possibly Damaging"; Align-GVGD: "Class C0"). In summary, the available evidence is currently insufficient to determine the role of this variant in disease. Therefore, it has been classified as a Variant of Uncertain Significance. This variant is present in population databases (rs770956809, gnomAD 0.01%). This sequence change replaces valine, which is neutral and non-polar, with isoleucine, which is neutral and non-polar, at codon 162 of the MYO1E protein (p.Val162Ile).

NM_004998.4(MYO1E):c.484G>A (p.Val162Ile)

Gene: MYO1E (myosin IE; minus strand). Cytogenetic location: 15q22.2.
Variant type: single nucleotide variant.
Coding change: c.484G>A on transcript NM_004998.4 (MANE Select); coding-DNA position 484, G replaced by A.
Protein change: p.Val162Ile; replaces valine 162 with isoleucine.
Molecular consequence: missense variant.
Genome position (GRCh38, 1-based): chr15:59,231,728, C>T on the plus strand (G>A on the coding strand, the complement: MYO1E is on the minus strand). VCF-style: chr15-59231728-C-T. GRCh37 (hg19) VCF-style: chr15-59523927-C-T.
Other names: c.484G>A (NM_004998.2); short protein forms V162I.
Identifiers: ClinVar variation 2170227 (VCV002170227.5), dbSNP rs770956809, ClinGen allele CA7590317.